The following is an entry in ClinVar:

NM_001329943.3(KIAA0586):c.411-1455_411-1454insGG

Gene: KIAA0586 (KIAA0586; plus strand). Cytogenetic location: 14q23.1.
Variant type: Insertion.
Coding change: c.411-1455_411-1454insGG on transcript NM_001329943.3 (MANE Select); 1455 bases into the intron before coding-DNA position 411 through 1454 bases into the intron before coding-DNA position 411, GG inserted.
Molecular consequence: intron variant. On other transcripts: frameshift variant (2).
Genome position: GRCh38 VCF-style: chr14-58441251-T-TGG. GRCh37 (hg19) VCF-style: chr14-58907969-T-TGG.
Other names: c.477_478insGG, p.His160fs (NM_001244189.2); c.186_187insGG, p.His63fs (NM_001244192.2); c.366-1455_366-1454insGG (NM_001244190.2); c.156-1455_156-1454insGG (NM_001244191.2, NM_001364701.2, NM_001329945.2 and 1 more transcripts); c.411-1455_411-1454insGG (NM_001329944.2, NM_001329946.2, NM_001329947.2 and 1 more transcripts); c.-10-1455_-10-1454insGG (NM_001244193.2); short protein forms H160fs, H63fs.
Identifiers: ClinVar variation 1976272 (VCV001976272.5), dbSNP rs1201009622, ClinGen allele CA614347741.

ClinVar aggregate classification (germline): Pathogenic (1 of 4 stars; one submission).

Conditions:
Joubert syndrome 23 (JBTS23). Identifiers: Orphanet 475, MedGen C4084822, MONDO:0014664, OMIM 616490.
Short-rib thoracic dysplasia 14 with polydactyly (SRTD14). Identifiers: Orphanet 397715, MedGen C4225286, MONDO:0014688, OMIM 616546.

Allele frequency attached by ClinVar (database versions not stated): TOPMed below 0.00001; gnomAD 0.00001.

Submission:

Labcorp Genetics (formerly Invitae), Labcorp
Classification: Pathogenic for Joubert syndrome 23; Short-rib thoracic dysplasia 14 with polydactyly. Last evaluated: 2025-03-17. Review status: criteria provided, single submitter. Criteria: Invitae Variant Classification Sherloc (09022015). Collection method: clinical testing. Allele origin: germline.
Comment: This sequence change creates a premature translational stop signal (p.His160Glyfs*5) in the KIAA0586 gene. It is expected to result in an absent or disrupted protein product. Loss-of-function variants in KIAA0586 are known to be pathogenic (PMID: 26096313, 26166481, 26386044). This variant is present in population databases (no rsID available, gnomAD 0.01%). This variant has not been reported in the literature in individuals affected with KIAA0586-related conditions. ClinVar contains an entry for this variant (Variation ID: 1976272). For these reasons, this variant has been classified as Pathogenic.

Literature cited by the submitters: PubMed 26096313; PubMed 26166481; PubMed 26386044.